The following continues an entry in ClinVar:

NM_000132.4(F8):c.1094A>G (p.Tyr365Cys)

Gene: F8. ClinVar aggregate classification (germline): Pathogenic. Pathogenic (1).

Submissions 7 to 14 of 14:

ARUP Laboratories, Molecular Genetics and Genomics, ARUP Laboratories
Classification: Pathogenic. Last evaluated: 2025-06-06. Review status: criteria provided, single submitter. Criteria: ARUP Molecular Germline Variant Investigation Process 2024. Collection method: clinical testing. Allele origin: germline. Not counted in ClinVar's aggregate classification.
Comment: The F8 c.1094A>G; p.Tyr365Cys variant (rs375241473), also known as Tyr346Cys, is published in the medical literature and in gene-specific databases in several individuals with mild hemophilia (see link to FVIII database, Bowyer 2011, Cutler 2002, Hill 2005). This variant is found in the Genome Aggregation Database in the non-Finnish European populationwith an allele frequency of 0.015% (12/81864 alleles, including 6 hemizygotes). The tyrosine at this position is conserved across species and computational algorithms (PolyPhen2, SIFT) predict this variant is deleterious. Considering available information, this variant is considered pathogenic. References: Link to F8 database: Bowyer AE et al. p.Tyr365Cys change in factor VIII: haemophilia A, but not as we know it. Br J Haematol. 2011 Sep;154(5):618-25. Cutler JA et al. The identification and classification of 41 novel mutations in the factor VIII gene (F8C). Hum Mutat. 2002 Mar;19(3):274-8. Hill M et al. Mutation analysis in 51 patients with haemophilia A: report of 10 novel mutations and correlations between genotype and clinical phenotype. Haemophilia. 2005 Mar;11(2):133-41.

GeneDx
Classification: Pathogenic. Last evaluated: 2024-03-13. Review status: criteria provided, single submitter. Criteria: GeneDx Variant Classification Process June 2021. Collection method: clinical testing. Allele origin: germline. Affected: yes. Not counted in ClinVar's aggregate classification.
Comment: In silico analysis supports that this missense variant has a deleterious effect on protein structure/function; This variant is associated with the following publications: (PMID: 18034822, 36473488, 21645180, 12139751, 19456877, 23812942, 18691168, 17445092, 34355501, 31064749, 15810915, 21838755, 21175850, 21751985, 19473423, 11857744)

Blueprint Genetics
Classification: Pathogenic for F8-related disorders. Last evaluated: 2023-09-04. Review status: criteria provided, single submitter. Criteria: ACMG Guidelines, 2015. Collection method: clinical testing. Allele origin: germline. Affected: yes. Observed: 5 variant alleles. Not counted in ClinVar's aggregate classification.

Versiti Diagnostic Laboratories, Versiti, Inc
Classification: Likely benign for Hereditary factor VIII deficiency disease. Last evaluated: 2020-01-28. Review status: criteria provided, single submitter. Criteria: Versiti Assertion Criteria. Collection method: clinical testing. Allele origin: germline. Affected: no. Observed: 4 variant alleles. Not counted in ClinVar's aggregate classification.
Comment: The missense variant F8 c.1094A>G, p.Tyr365Cys (p.Y365C; legacy p.Y346C) in exon 8 changes amino acid tyrosine at codon 365 to cysteine (also described as Y346C). The tyrosine at this residue is not well conserved among species. This amino acid change occurs in the a1 interdomain region which plays an important role in activation and degradation of FVIII (Mumford, 2002). Pathogenic variants in F8 are associated with X-linked hemophilia A characterized by mild to severe bleeding due to a quantitative or qualitative deficiency in factor VIII. This variant has been previously described in individuals reported to have hemophilia A, most often mild (Cutler, 2002; Green, 2008; Repesse, 2007); however, it has also been reported in individuals that presented with prolonged APTT without a clinically significant bleeding disorder or with bleeding diathesis that was less severe than expected in individuals or carriers of mild hemophilia A (Mumford, 2002; Lyall, 2008; Kentsis, 2009; Bowyer 2011) and/or individuals who were found to have reduced one-stage FVIII:C values but normal two-stage FVIII:C or FVIII:Ag values (Mumford, 2002; Lyall, 2008; Hill, 2005; Bowyer 2011). The minor allele frequency in the general population is 0.00006645 with an elevated allele frequency of 0.0001388 in the European population and 1 observation in a hemizygous state (gnomAD), which is more frequent than expected for hemophilia A. No functional data is available for this variant. Studies of FVIII protein purified from patient plasma showed decreased activation to FVIIIa at low thrombin concentrations (<1nmol/l) and increased decay of FVIIIa in a molar excess of thrombin (25nmol/l) (Mumford, 2002); the one-stage assay would be most sensitive to this due to the minimal time allowed between thrombin activation and clotting . Multiple lines of in silico computational evidence (Condel, Polyphen2, Mutation Taster, SIFT) predict the variant to be damaging; however, the accuracy of these tools is unknown. In summary, although individuals who are heterozygous or hemizygous for this variant may exhibit reduced FVIII activity levels by one-stage assays, this variant does not appear to result in increased risk for bleeding; therefore, the collective evidence supports F8 c.1094A>G, p.Tyr365Cys as a likely benign variant with respect to hemophilia A.

NIHR Bioresource Rare Diseases, University of Cambridge
Classification: Pathogenic for Hereditary factor IX deficiency disease. Last evaluated: 2019-02-01. Review status: criteria provided, single submitter. Criteria: ACMG Guidelines, 2015. Collection method: research. Allele origin: unknown. Affected: yes. Observed: 2 hemizygotes. Study: ThromboGenomics. Not counted in ClinVar's aggregate classification.

Illumina Laboratory Services, Illumina
Classification: Uncertain significance for Hereditary factor VIII deficiency disease. Last evaluated: 2017-04-27. Review status: criteria provided, single submitter. Criteria: ICSL Variant Classification Criteria 13 December 2019. Collection method: clinical testing. Allele origin: germline. Not counted in ClinVar's aggregate classification.
Comment: This variant was observed as part of a predisposition screen in an ostensibly healthy population. A literature search was performed for the gene, cDNA change, and amino acid change (where applicable). Publications were found based on this search. However, the evidence from the literature, in combination with allele frequency data from public databases where available, was not sufficient to rule this variant in or out of causing disease. Therefore, this variant is classified as a variant of unknown significance.

ISTH-SSC Genomics in Thrombosis and Hemostasis, KU Leuven, Center for Molecular and Vascular Biology
Classification: Pathogenic for Hereditary factor VIII deficiency disease. Review status: criteria provided, single submitter. Criteria: ACMG Guidelines, 2015. Collection method: clinical testing. Allele origin: unknown. Affected: yes. Observed: 2 hemizygotes. Not counted in ClinVar's aggregate classification.
Comment: GoldVariant submitter: Dr Karyn Mégy NIHR Bioresource - Cambridge University, UK

PreventionGenetics, part of Exact Sciences
Classification: Pathogenic for F8-related condition. Last evaluated: 2024-04-17. Review status: no assertion criteria provided. Collection method: clinical testing. Allele origin: germline. Not counted in ClinVar's aggregate classification.
Comment: The F8 c.1094A>G variant is predicted to result in the amino acid substitution p.Tyr365Cys. This variant, also known as Tyr346Cys for legacy nomenclature, has been reported to be causative for Factor VIII deficiency in multiple individuals (Cutler et al. 2002. PubMed ID: 11857744; Repessé et al. 2007. PubMed ID: 17445092; Green et al. 2008. PubMed ID: 18691168; Factor VIII database). This variant is reported in 0.015% of alleles in individuals of European (Non-Finnish) descent in gnomAD. This variant is interpreted as pathogenic.

Literature cited by the submitters: PubMed 11857744 (cited by 4 submitters); PubMed 15810915 (cited by 4 submitters); PubMed 19456877 (cited by 4 submitters); PubMed 29296726 (cited by Myriad Genetics, Inc.); PubMed 31064749 (cited by 3 submitters); PubMed 33275657 (cited by Victorian Clinical Genetics Services, Murdoch Childrens Research Institute); PubMed 23812942 (cited by 3 submitters); PubMed 18034822 (cited by 4 submitters); PubMed 23403259 (cited by Victorian Clinical Genetics Services, Murdoch Childrens Research Institute); PubMed 12139751 (cited by 4 submitters); PubMed 18691168 (cited by 3 submitters); PubMed 21751985 (cited by 5 submitters); PubMed 19473423 (cited by Variantyx, Inc.); PubMed 21645180 (cited by Variantyx, Inc. and Women's Health and Genetics/Laboratory Corporation of America, LabCorp); PubMed 17445092 (cited by Variantyx, Inc. and Versiti Diagnostic Laboratories, Versiti, Inc); PubMed 37647632 (cited by Women's Health and Genetics/Laboratory Corporation of America, LabCorp); PubMed 21838755 (cited by Illumina Laboratory Services, Illumina); PubMed 34355501 (cited by ISTH-SSC Genomics in Thrombosis and Hemostasis, KU Leuven, Center for Molecular and Vascular Biology).